The following is an entry in ClinVar:

NC_000003.11:g.(?_10127486)_(10140634_?)dup

Genes: FANCD2 (FA complementation group D2; plus strand), FANCD2OS (FANCD2 opposite strand; minus strand). Cytogenetic location: 3p25.3.
Variant type: Duplication.
Identifiers: ClinVar variation 1008418 (VCV001008418.5).

ClinVar aggregate classification (germline): Uncertain significance (1 of 4 stars; one submission).

Conditions:
Fanconi anemia (FA). Also called: Fanconi's anemia. Identifiers: Orphanet 84, MedGen C0015625, MeSH D005199, MONDO:0019391.

Submission:

Labcorp Genetics (formerly Invitae), Labcorp
Classification: Uncertain significance for Fanconi anemia. Last evaluated: 2022-10-17. Review status: criteria provided, single submitter. Criteria: Invitae Variant Classification Sherloc (09022015). Collection method: clinical testing. Allele origin: germline.
Comment: This variant results in a copy number gain of the genomic region encompassing exon(s) 33-43 of the FANCD2 gene. This region includes the termination codon of the gene. This copy number gain extends beyond the assayed region for this gene and therefore may encompass additional genes. As the precise location of this event is unknown, it may be in tandem or it may be located elsewhere in the genome. This variant has not been reported in the literature in individuals affected with FANCD2-related conditions. In summary, the available evidence is currently insufficient to determine the role of this variant in disease. Therefore, it has been classified as a Variant of Uncertain Significance.